The following is an entry in ClinVar:

NM_000382.3(ALDH3A2):c.1147G>A (p.Val383Ile)

Gene: ALDH3A2 (aldehyde dehydrogenase 3 family member A2; plus strand). Cytogenetic location: 17p11.2.
Variant type: single nucleotide variant.
Coding change: c.1147G>A on transcript NM_000382.3 (MANE Select); coding-DNA position 1147, G replaced by A.
Protein change: p.Val383Ile; replaces valine 383 with isoleucine.
Molecular consequence: missense variant.
Genome position (GRCh38, 1-based): chr17:19,664,987, G>A. VCF-style: chr17-19664987-G-A. GRCh37 (hg19) VCF-style: chr17-19568300-G-A.
Other names: c.1147G>A, p.Val383Ile (NM_001031806.2, NM_001369136.1, NM_001369137.2 and 3 more transcripts); c.568G>A, p.Val190Ile (NM_001369148.2); c.1147G>A (NM_000382.2); short protein forms V190I, V383I.
Identifiers: ClinVar variation 2338500 (VCV002338500.5), dbSNP rs776935833, ClinGen allele CA8443022.
Genomic context (GRCh38, chr17:19,664,987, plus strand): 5'-ACACCTTTGGTCTGTCCTCAGCTCATCAAACGGATGATTGATGAGACATCCAGTGGAGGT[G>A]TCACAGGCAATGACGTCATTATGCACTTCACGCTCAACTCTTTCCCATTTGGAGGAGTGG-3'
Protein context (NP_000373.1, residues 373-393): RMIDETSSGG[Val383Ile]TGNDVIMHFT

ClinVar aggregate classification (germline): Uncertain significance. Review status: criteria provided, multiple submitters, no conflicts (2 of 4 stars). 2 submissions from 2 submitters: Uncertain significance (2). Last evaluated 2022-12-21.

Conditions:
Inborn genetic diseases. Identifiers: MedGen C0950123, MeSH D030342.

Allele frequency attached by ClinVar (database versions not stated): TOPMed below 0.00001; ExAC 0.00002.

Submissions (2):

Ambry Genetics
Classification: Uncertain significance for Inborn genetic diseases. Last evaluated: 2022-12-21. Review status: criteria provided, single submitter. Criteria: Ambry Variant Classification Scheme 2023. Collection method: clinical testing. Allele origin: germline.

Labcorp Genetics (formerly Invitae), Labcorp
Classification: Uncertain significance. Last evaluated: 2022-06-28. Review status: criteria provided, single submitter. Criteria: Invitae Variant Classification Sherloc (09022015). Collection method: clinical testing. Allele origin: germline.
Comment: This sequence change replaces valine, which is neutral and non-polar, with isoleucine, which is neutral and non-polar, at codon 383 of the ALDH3A2 protein (p.Val383Ile). This variant is present in population databases (rs776935833, gnomAD 0.004%). This variant has not been reported in the literature in individuals affected with ALDH3A2-related conditions. Advanced modeling of protein sequence and biophysical properties (such as structural, functional, and spatial information, amino acid conservation, physicochemical variation, residue mobility, and thermodynamic stability) performed at Invitae indicates that this missense variant is not expected to disrupt ALDH3A2 protein function. In summary, the available evidence is currently insufficient to determine the role of this variant in disease. Therefore, it has been classified as a Variant of Uncertain Significance.